The following is an entry in ClinVar:

ClinVar aggregate classification (germline): Uncertain significance (1 of 4 stars; one submission).

Submission:

Labcorp Genetics (formerly Invitae), Labcorp
Classification: Uncertain significance. Last evaluated: 2022-06-13. Review status: criteria provided, single submitter. Criteria: Invitae Variant Classification Sherloc (09022015). Collection method: clinical testing. Allele origin: germline.
Comment: This sequence change replaces histidine, which is basic and polar, with tyrosine, which is neutral and polar, at codon 253 of the OSTM1 protein (p.His253Tyr). This variant is not present in population databases (gnomAD no frequency). This variant has not been reported in the literature in individuals affected with OSTM1-related conditions. Algorithms developed to predict the effect of missense changes on protein structure and function are either unavailable or do not agree on the potential impact of this missense change (SIFT: "Tolerated"; PolyPhen-2: "Probably Damaging"; Align-GVGD: "Class C0"). In summary, the available evidence is currently insufficient to determine the role of this variant in disease. Therefore, it has been classified as a Variant of Uncertain Significance.

NM_014028.4(OSTM1):c.757C>T (p.His253Tyr)

Gene: OSTM1 (osteoclastogenesis associated transmembrane protein 1; minus strand). Cytogenetic location: 6q21.
Variant type: single nucleotide variant.
Coding change: c.757C>T on transcript NM_014028.4 (MANE Select); coding-DNA position 757, C replaced by T.
Protein change: p.His253Tyr; replaces histidine 253 with tyrosine.
Molecular consequence: missense variant.
Genome position (GRCh38, 1-based): chr6:108,051,057, G>A on the plus strand (C>T on the coding strand, the complement: OSTM1 is on the minus strand). VCF-style: chr6-108051057-G-A. GRCh37 (hg19) VCF-style: chr6-108372261-G-A.
Other names: short protein forms H253Y.
Identifiers: ClinVar variation 2005516 (VCV002005516.1), dbSNP rs2482170559, ClinGen allele CA365327497.